The following is an entry in ClinVar:

NM_001684.5(ATP2B4):c.1847A>G (p.Asn616Ser)

Gene: ATP2B4 (ATPase plasma membrane Ca2+ transporting 4; plus strand). Cytogenetic location: 1q32.1.
Variant type: single nucleotide variant.
Coding change: c.1847A>G on transcript NM_001684.5 (MANE Select); coding-DNA position 1847, A replaced by G.
Protein change: p.Asn616Ser; replaces asparagine 616 with serine.
Molecular consequence: missense variant.
Genome position (GRCh38, 1-based): chr1:203,710,924, A>G. VCF-style: chr1-203710924-A-G. GRCh37 (hg19) VCF-style: chr1-203680052-A-G.
Other names: c.1847A>G, p.Asn616Ser (NM_001001396.3, NM_001365783.2, NM_001365784.2); short protein forms N616S.
Identifiers: ClinVar variation 3618444 (VCV003618444.2).

ClinVar aggregate classification (germline): Uncertain significance (1 of 4 stars; one submission).

gnomAD v4.1: 75 of 1,614,062 alleles (0.0046%); highest among the groups gnomAD compares: Middle Eastern, 0.016%; no homozygotes.

Submission:

Labcorp Genetics (formerly Invitae), Labcorp
Classification: Uncertain significance. Last evaluated: 2024-11-06. Review status: criteria provided, single submitter. Criteria: Invitae Variant Classification Sherloc (09022015). Collection method: clinical testing. Allele origin: germline.
Comment: This sequence change replaces asparagine, which is neutral and polar, with serine, which is neutral and polar, at codon 616 of the ATP2B4 protein (p.Asn616Ser). This variant is present in population databases (rs139697478, gnomAD 0.02%). This variant has not been reported in the literature in individuals affected with ATP2B4-related conditions. Invitae Evidence Modeling of protein sequence and biophysical properties (such as structural, functional, and spatial information, amino acid conservation, physicochemical variation, residue mobility, and thermodynamic stability) indicates that this missense variant is not expected to disrupt ATP2B4 protein function with a negative predictive value of 80%. In summary, the available evidence is currently insufficient to determine the role of this variant in disease. Therefore, it has been classified as a Variant of Uncertain Significance.